The following is an entry in ClinVar:

ClinVar aggregate classification (germline): Uncertain significance. Review status: criteria provided, multiple submitters, no conflicts (2 of 4 stars). 7 submissions from 7 submitters: Uncertain significance (7). Last evaluated 2026-08-03.

Conditions:
Classic or attenuated familial adenomatous polyposis. Identifiers: MedGen CN372698, MONDO:0021057.
Hereditary cancer-predisposing syndrome. Also called: Tumor predisposition; Hereditary neoplastic syndrome; Hereditary Cancer Syndrome; Neoplastic Syndromes, Hereditary. Identifiers: Orphanet 140162, MedGen C0027672, MeSH D009386, MONDO:0015356.
Familial adenomatous polyposis 1 (FAP1). Also called: FAMILIAL ADENOMATOUS POLYPOSIS 1, ATTENUATED; POLYPOSIS, ADENOMATOUS INTESTINAL. Identifiers: MedGen C2713442, MONDO:0021056, OMIM 175100. Disease mechanism: loss of function.

Submissions (7):

Ambry Genetics
Classification: Uncertain significance for Hereditary cancer-predisposing syndrome. Last evaluated: 2026-08-03. Review status: criteria provided, single submitter. Criteria: Ambry Variant Classification Scheme 2023. Collection method: clinical testing. Allele origin: germline.

Labcorp Genetics (formerly Invitae), Labcorp
Classification: Uncertain significance for Familial adenomatous polyposis 1. Last evaluated: 2026-01-12. Review status: criteria provided, single submitter. Criteria: Invitae Variant Classification Sherloc (09022015). Collection method: clinical testing. Allele origin: germline.
Comment: This sequence change replaces arginine, which is basic and polar, with serine, which is neutral and polar, at codon 1876 of the APC protein (p.Arg1876Ser). This variant is not present in population databases (gnomAD no frequency). This variant has not been reported in the literature in individuals affected with APC-related conditions. ClinVar contains an entry for this variant (Variation ID: 421150). Invitae Evidence Modeling of protein sequence and biophysical properties (such as structural, functional, and spatial information, amino acid conservation, physicochemical variation, residue mobility, and thermodynamic stability) indicates that this missense variant is not expected to disrupt APC protein function with a negative predictive value of 95%. In summary, the available evidence is currently insufficient to determine the role of this variant in disease. Therefore, it has been classified as a Variant of Uncertain Significance.

Center for Genomic Medicine, Rigshospitalet, Copenhagen University Hospital
Classification: Uncertain significance. Last evaluated: 2025-12-29. Review status: criteria provided, single submitter. Criteria: ACMG Guidelines, 2015. Collection method: clinical testing. Allele origin: germline.
Comment: Classification criteria: BP1, PM2_sup

Color Diagnostics, LLC DBA Color Health
Classification: Uncertain significance for Hereditary cancer-predisposing syndrome. Last evaluated: 2024-03-06. Review status: criteria provided, single submitter. Criteria: ACMG Guidelines, 2015. Collection method: clinical testing. Allele origin: germline.
Comment: This missense variant replaces arginine with serine at codon 1876 of the APC protein. Computational prediction is inconclusive regarding the impact of this variant on protein structure and function (internally defined REVEL score threshold 0.5 < inconclusive < 0.7, PMID: 27666373). To our knowledge, functional studies have not been reported for this variant. This variant has not been reported in individuals affected with APC-related disorders in the literature. This variant has not been identified in the general population by the Genome Aggregation Database (gnomAD). The available evidence is insufficient to determine the role of this variant in disease conclusively. Therefore, this variant is classified as a Variant of Uncertain Significance.

CeGaT Center for Human Genetics Tuebingen
Classification: Uncertain significance. Last evaluated: 2023-08-01. Review status: criteria provided, single submitter. Criteria: CeGaT Center For Human Genetics Tuebingen Variant Classification Criteria Version 2. Collection method: clinical testing. Allele origin: germline. Affected: yes. Observed: 1 variant allele.
Comment: APC: PM2, BP4

All of Us Research Program, National Institutes of Health
Classification: Uncertain significance for Classic or attenuated familial adenomatous polyposis. Last evaluated: 2023-05-04. Review status: criteria provided, single submitter. Criteria: ACMG Guidelines, 2015. Collection method: clinical testing. Allele origin: germline. Inheritance: Autosomal dominant inheritance. Observed: 1 variant allele, 1 heterozygote.
Comment: This missense variant replaces arginine with serine at codon 1876 of the APC protein. Computational prediction is inconclusive regarding the impact of this variant on protein structure and function (internally defined REVEL score threshold 0.5 < inconclusive < 0.7, PMID: 27666373). To our knowledge, functional studies have not been reported for this variant. This variant has not been reported in individuals affected with APC-related disorders in the literature. This variant has not been identified in the general population by the Genome Aggregation Database (gnomAD). The available evidence is insufficient to determine the role of this variant in disease conclusively. Therefore, this variant is classified as a Variant of Uncertain Significance.

This study involves interpretation of variants in research participants for the purpose of population health screening. Participant phenotype was not available at the time of variant classification. Additional details can be found in publication PMID: 35346344, PMCID: PMC8962531

GeneDx
Classification: Uncertain significance. Last evaluated: 2023-01-20. Review status: criteria provided, single submitter. Criteria: GeneDx Variant Classification Process June 2021. Collection method: clinical testing. Allele origin: germline. Affected: yes.
Comment: Not observed at significant frequency in large population cohorts (gnomAD); In silico analysis supports that this missense variant does not alter protein structure/function; Has not been previously published as pathogenic or benign to our knowledge; This variant is associated with the following publications: (PMID: 18199528)

NM_000038.6(APC):c.5628G>T (p.Arg1876Ser)

Gene: APC (APC regulator of Wnt signaling pathway; plus strand). Cytogenetic location: 5q22.2.
Variant type: single nucleotide variant.
Coding change: c.5628G>T on transcript NM_000038.6 (MANE Select); coding-DNA position 5628, G replaced by T.
Protein change: p.Arg1876Ser; replaces arginine 1876 with serine.
Molecular consequence: missense variant.
Genome position (GRCh38, 1-based): chr5:112,841,222, G>T. VCF-style: chr5-112841222-G-T. GRCh37 (hg19) VCF-style: chr5-112176919-G-T.
Other names: c.5628G>T, p.Arg1876Ser (NM_001127510.3, NM_001354895.2); c.5574G>T, p.Arg1858Ser (NM_001127511.3); c.5682G>T, p.Arg1894Ser (NM_001354896.2); c.5658G>T, p.Arg1886Ser (NM_001354897.2); c.5553G>T, p.Arg1851Ser (NM_001354898.2); c.5544G>T, p.Arg1848Ser (NM_001354899.2); c.5505G>T, p.Arg1835Ser (NM_001354900.2); c.5451G>T, p.Arg1817Ser (NM_001354901.2); and 5 more; short protein forms R1858S, R1876S, R1817S, R1848S, R1886S, R1716S, R1775S, R1894S.
Identifiers: ClinVar variation 421150 (VCV000421150.47), dbSNP rs1064794942, ClinGen allele CA16033649.
Genomic context (GRCh38, chr5:112,841,222, plus strand): 5'-TTCACGAAATGATTCTTTGAGTTCTCTAGATTTTGATGATGATGATGTTGACCTTTCCAG[G>T]GAAAAGGCTGAATTAAGAAAGGCAAAAGAAAATAAGGAATCAGAGGCTAAAGTTACCAGC-3'
Protein context (NP_000029.2, residues 1866-1886): DFDDDDVDLS[Arg1876Ser]EKAELRKAKE